The following is an entry in ClinVar:

ClinVar aggregate classification (germline): Uncertain significance. Review status: criteria provided, single submitter (1 of 4 stars). 2 submissions from 1 submitter: Uncertain significance (2). Last evaluated 2025-10-03.

Conditions:
Auditory neuropathy-optic atrophy syndrome. Also called: AUDITORY NEUROPATHY AND OPTIC ATROPHY; MULTIPLE MITOCHONDRIAL DYSFUNCTIONS SYNDROME 9A. Identifiers: Orphanet 542585, MedGen C4521678, MONDO:0060582, OMIM 617717.
Multiple mitochondrial dysfunctions syndrome 9b. Identifiers: MedGen C5935635, MONDO:0971174, OMIM 620887.

Submissions (2):

Foundation for Research in Genetics and Endocrinology, FRIGE's Institute of Human Genetics
Classification: Uncertain significance for Auditory neuropathy-optic atrophy syndrome. Last evaluated: 2025-10-03. Review status: criteria provided, single submitter. Criteria: ACMG Guidelines, 2015. Collection method: clinical testing. Allele origin: germline. Inheritance: Autosomal recessive inheritance. Affected: yes. Observed: 1 variant allele, 1 homozygote.
Comment: The identified homozygous missense substitution (p.Thr178Arg) lies in exon 6 of the FDXR gene and alters a highly conserved residue in the protein. The variant is predicted to be damaging by 3 (SIFT, LRT and Mutation Taster) out of 5 in silico missense prediction tools. In summary, the variant meets our criteria to be classified as variant of uncertain significance.

Foundation for Research in Genetics and Endocrinology, FRIGE's Institute of Human Genetics
Classification: Uncertain significance for Multiple mitochondrial dysfunctions syndrome 9b. Last evaluated: 2025-10-01. Review status: criteria provided, single submitter. Criteria: ACMG Guidelines, 2015. Collection method: clinical testing. Allele origin: germline. Inheritance: Autosomal recessive inheritance. Affected: yes. Observed: 1 variant allele, 1 homozygote.
Comment: A homozygous missense variant in exon 6 of the FDXR gene that results in the amino acid substitution of Arginine for Threonine at codon 178 was detected. The observed variant c.533C>G has not been reported in the 1000 genomes and gnomAD databases. The in-silico prediction of the variant is deleterious by MutationTaster2, DANN. In summary, the variant meets our criteria to be classified as a variant of uncertain significance.

NM_024417.5(FDXR):c.533C>G (p.Thr178Arg)

Gene: FDXR (ferredoxin reductase; minus strand). Cytogenetic location: 17q25.1.
Variant type: single nucleotide variant.
Coding change: c.533C>G on transcript NM_024417.5 (MANE Select); coding-DNA position 533, C replaced by G.
Protein change: p.Thr178Arg; replaces threonine 178 with arginine.
Molecular consequence: missense variant. On other transcripts: non-coding transcript variant (1).
Genome position (GRCh38, 1-based): chr17:74,865,795, G>C on the plus strand (C>G on the coding strand, the complement: FDXR is on the minus strand). VCF-style: chr17-74865795-G-C. GRCh37 (hg19) VCF-style: chr17-72861917-G-C.
Other names: p.Thr178Arg; c.662C>G, p.Thr221Arg (NM_001258012.4); c.626C>G, p.Thr209Arg (NM_001258013.4); c.509C>G, p.Thr170Arg (NM_001258014.4); c.413C>G, p.Thr138Arg (NM_001258015.3); c.377C>G, p.Thr126Arg (NM_001258016.3); c.533C>G, p.Thr178Arg (NM_004110.6); short protein forms T126R, T138R, T170R, T178R, T209R, T221R.
Identifiers: ClinVar variation 4820321 (VCV004820321.2).